The following is an entry in ClinVar:

ClinVar aggregate classification (germline): Uncertain significance. Review status: criteria provided, multiple submitters, no conflicts (2 of 4 stars). 2 submissions from 2 submitters: Uncertain significance (2). Last evaluated 2024-04-24.

Conditions:
Inborn genetic diseases. Identifiers: MedGen C0950123, MeSH D030342.

Allele frequency attached by ClinVar (database versions not stated): TOPMed below 0.00001; gnomAD exomes 0.00001; ExAC 0.00002.
gnomAD v4.1: 8 of 1,598,102 alleles (0.0005%); highest among the groups gnomAD compares: East Asian, 0.018%; no homozygotes.

Submissions (2):

Ambry Genetics
Classification: Uncertain significance for Inborn genetic diseases. Last evaluated: 2024-04-24. Review status: criteria provided, single submitter. Criteria: Ambry Variant Classification Scheme 2023. Collection method: clinical testing. Allele origin: germline.

Labcorp Genetics (formerly Invitae), Labcorp
Classification: Uncertain significance. Last evaluated: 2023-12-17. Review status: criteria provided, single submitter. Criteria: Invitae Variant Classification Sherloc (09022015). Collection method: clinical testing. Allele origin: germline.
Comment: This sequence change replaces valine, which is neutral and non-polar, with alanine, which is neutral and non-polar, at codon 109 of the BMP2 protein (p.Val109Ala). This variant is present in population databases (rs771718188, gnomAD 0.04%). This variant has not been reported in the literature in individuals affected with BMP2-related conditions. An algorithm developed to predict the effect of missense changes on protein structure and function (PolyPhen-2) suggests that this variant is likely to be tolerated. In summary, the available evidence is currently insufficient to determine the role of this variant in disease. Therefore, it has been classified as a Variant of Uncertain Significance.

NM_001200.4(BMP2):c.326T>C (p.Val109Ala)

Gene: BMP2 (bone morphogenetic protein 2; plus strand). Cytogenetic location: 20p12.3.
Variant type: single nucleotide variant.
Coding change: c.326T>C on transcript NM_001200.4 (MANE Select); coding-DNA position 326, T replaced by C.
Protein change: p.Val109Ala; replaces valine 109 with alanine.
Molecular consequence: missense variant.
Genome position (GRCh38, 1-based): chr20:6,770,452, T>C. VCF-style: chr20-6770452-T-C. GRCh37 (hg19) VCF-style: chr20-6751099-T-C.
Other names: c.326T>C (NM_001200.2); short protein forms V109A.
Identifiers: ClinVar variation 2903762 (VCV002903762.4), dbSNP rs771718188, ClinGen allele CA9758645.